The following is an entry in ClinVar:

NM_001999.4(FBN2):c.1938A>G (p.Gly646=)

Gene: FBN2 (fibrillin 2; minus strand). Cytogenetic location: 5q23.3.
Variant type: single nucleotide variant.
Coding change: c.1938A>G on transcript NM_001999.4 (MANE Select); coding-DNA position 1938, A replaced by G.
Protein change: p.Gly646=; no amino-acid change (glycine 646 retained).
Molecular consequence: synonymous variant.
Genome position (GRCh38, 1-based): chr5:128,376,765, T>C on the plus strand (A>G on the coding strand, the complement: FBN2 is on the minus strand). VCF-style: chr5-128376765-T-C. GRCh37 (hg19) VCF-style: chr5-127712458-T-C.
Identifiers: ClinVar variation 373782 (VCV000373782.2), dbSNP rs1057518608, ClinGen allele CA16042580.

ClinVar aggregate classification (germline): Uncertain significance. Review status: criteria provided, multiple submitters, no conflicts (2 of 4 stars). 2 submissions from 2 submitters: Uncertain significance (2). Last evaluated 2023-02-20.

Conditions:
FBN2-related disorder. Also called: FBN2-related condition.

Allele frequency attached by ClinVar (database versions not stated): gnomAD 0.00001; TOPMed 0.00002.
gnomAD v4.1: 2 of 1,613,600 alleles (0.00012%); highest among the groups gnomAD compares: Non-Finnish European, 0.00017%; no homozygotes.

Submissions (2):

PreventionGenetics, part of Exact Sciences
Classification: Uncertain significance for FBN2-related condition. Last evaluated: 2023-02-20. Review status: criteria provided, single submitter. Criteria: ACMG Guidelines, 2015. Collection method: clinical testing. Allele origin: germline.
Comment: The FBN2 c.1938A>G variant is not predicted to result in an amino acid change (p.=). This variant may create a cryptic splice site based on available splicing prediction programs (Alamut Visual Plus v1.6.1). However, such computer prediction programs are imperfect. To our knowledge, this variant has not been reported in the literature. This variant is reported in 0.0065% of alleles in individuals of European (Non-Finnish) descent in gnomAD. At this time, the clinical significance of this variant is uncertain due to the absence of conclusive functional and genetic evidence.

GeneDx
Classification: Uncertain significance. Last evaluated: 2016-12-13. Review status: criteria provided, single submitter. Criteria: GeneDx Variant Classification (06012015). Collection method: clinical testing. Allele origin: germline. Affected: yes.
Comment: A variant of uncertain significance has been identified in the FBN2 gene. The c.1938 A>G variant has not been published as a pathogenic variant, nor has it been reported as a benign variant to our knowledge. This variant was not observed in approximately 6,500 individuals of European and African American ancestry in the NHLBI Exome Sequencing Project, indicating it is not a common benign variant in these populations. The c.1938 A>G variant results in a synonymous change of the residue G646 which is not conserved across species. This variant is predicted to result in aberrant gene splicing by creating a cryptic splice donor site; however, in the absence of functional mRNA studies, the physiological consequence of this variant cannot be precisely determined.